The following is an entry in ClinVar:

NM_003680.4(YARS1):c.833T>C (p.Leu278Pro)

Genes: YARS1 (tyrosyl-tRNA synthetase 1; minus strand), LOC126805688 (BRD4-independent group 4 enhancer GRCh37_chr1:33251929-33253128; plus strand). Cytogenetic location: 1p35.1.
Variant type: single nucleotide variant.
Coding change: c.833T>C on transcript NM_003680.4 (MANE Select); coding-DNA position 833, T replaced by C.
Protein change: p.Leu278Pro; replaces leucine 278 with proline.
Molecular consequence: missense variant.
Genome position (GRCh38, 1-based): chr1:32,786,435, A>G on the plus strand (T>C on the coding strand, the complement: YARS1 is on the minus strand). VCF-style: chr1-32786435-A-G. GRCh37 (hg19) VCF-style: chr1-33252036-A-G.
Other names: short protein forms L278P.
Identifiers: ClinVar variation 2063322 (VCV002063322.4), dbSNP rs2523371403, ClinGen allele CA339684904.
Genomic context (GRCh38, chr1:32,786,435, plus strand): 5'-TCCTTTTCCAGGTCCACGTAAGCTGTGTAGGTTTTGTTTCCACCCCATTTCTCATCTCGT[A>G]GGATCACAAACTCTATAAGGAAAAGGATCCATGTCAACAAACTCATTGACAGCATTCCTA-3'
Protein context (NP_003671.1, residues 268-288): LFPLKSEFVI[Leu278Pro]RDEKWGGNKT

ClinVar aggregate classification (germline): Uncertain significance (1 of 4 stars; one submission).

Conditions:
Charcot-Marie-Tooth disease dominant intermediate C (CMTDIC). Also called: CHARCOT-MARIE-TOOTH NEUROPATHY, DOMINANT INTERMEDIATE C. Identifiers: Orphanet 100045, MedGen C1842237, MONDO:0012012, OMIM 608323.

Allele frequency attached by ClinVar (database versions not stated): gnomAD exomes below 0.00001.
gnomAD v4.1: 2 of 1,613,876 alleles (0.00012%); highest among the groups gnomAD compares: Admixed American, 0.0033%; no homozygotes.

Submission:

Labcorp Genetics (formerly Invitae), Labcorp
Classification: Uncertain significance for Charcot-Marie-Tooth disease dominant intermediate C. Last evaluated: 2021-12-09. Review status: criteria provided, single submitter. Criteria: Invitae Variant Classification Sherloc (09022015). Collection method: clinical testing. Allele origin: germline.
Comment: Algorithms developed to predict the effect of missense changes on protein structure and function are either unavailable or do not agree on the potential impact of this missense change (SIFT: "Not Available"; PolyPhen-2: "Benign"; Align-GVGD: "Not Available"). In summary, the available evidence is currently insufficient to determine the role of this variant in disease. Therefore, it has been classified as a Variant of Uncertain Significance. This variant has not been reported in the literature in individuals affected with YARS-related conditions. This variant is not present in population databases (gnomAD no frequency). This sequence change replaces leucine, which is neutral and non-polar, with proline, which is neutral and non-polar, at codon 278 of the YARS protein (p.Leu278Pro).